The following is an entry in ClinVar:

NM_001018115.3(FANCD2):c.1048A>G (p.Ile350Val)

Genes: FANCD2 (FA complementation group D2; plus strand), LOC107303338 (3p25 FANCD2 Alu-mediated recombination region; plus strand). Cytogenetic location: 3p25.3.
Variant type: single nucleotide variant.
Coding change: c.1048A>G on transcript NM_001018115.3 (MANE Select); coding-DNA position 1048, A replaced by G.
Protein change: p.Ile350Val; replaces isoleucine 350 with valine.
Molecular consequence: missense variant.
Genome position (GRCh38, 1-based): chr3:10,043,542, A>G. VCF-style: chr3-10043542-A-G. GRCh37 (hg19) VCF-style: chr3-10085226-A-G.
Other names: c.1048A>G, p.Ile350Val (NM_001319984.2, NM_001374253.1, NM_001374254.1 and 1 more transcripts); short protein forms I350V.
Identifiers: ClinVar variation 3655010 (VCV003655010.2).
Genomic context (GRCh38, chr3:10,043,542, plus strand): 5'-AGTTCCTCAGGAAATCAAGAAAGCAGCGGTCAGAGCTGTATTATTCTCCTCTTTGATGTA[A>G]TAAAGTCAGCTATTAGATATGAGAAAACCATTTCAGAAGCCTGGATTAAGGTGAGATCTT-3'
Protein context (NP_001018125.1, residues 340-360): QSCIILLFDV[Ile350Val]KSAIRYEKTI

ClinVar aggregate classification (germline): Uncertain significance (1 of 4 stars; one submission).

Conditions:
Fanconi anemia (FA). Also called: Fanconi's anemia. Identifiers: Orphanet 84, MedGen C0015625, MeSH D005199, MONDO:0019391.

Submission:

Labcorp Genetics (formerly Invitae), Labcorp
Classification: Uncertain significance for Fanconi anemia. Last evaluated: 2024-05-29. Review status: criteria provided, single submitter. Criteria: Invitae Variant Classification Sherloc (09022015). Collection method: clinical testing. Allele origin: germline.
Comment: This sequence change replaces isoleucine, which is neutral and non-polar, with valine, which is neutral and non-polar, at codon 350 of the FANCD2 protein (p.Ile350Val). This variant is not present in population databases (gnomAD no frequency). This variant has not been reported in the literature in individuals affected with FANCD2-related conditions. Advanced modeling of protein sequence and biophysical properties (such as structural, functional, and spatial information, amino acid conservation, physicochemical variation, residue mobility, and thermodynamic stability) performed at Invitae indicates that this missense variant is not expected to disrupt FANCD2 protein function with a negative predictive value of 80%. In summary, the available evidence is currently insufficient to determine the role of this variant in disease. Therefore, it has been classified as a Variant of Uncertain Significance.